The following is an entry in ClinVar:

NM_000540.3(RYR1):c.4160+4A>G

Gene: RYR1 (ryanodine receptor 1; plus strand). Cytogenetic location: 19q13.2.
Variant type: single nucleotide variant.
Coding change: c.4160+4A>G on transcript NM_000540.3 (MANE Select); 4 bases into the intron after coding-DNA position 4160, A replaced by G.
Molecular consequence: intron variant.
Genome position (GRCh38, 1-based): chr19:38,473,775, A>G. VCF-style: chr19-38473775-A-G. GRCh37 (hg19) VCF-style: chr19-38964415-A-G.
Other names: c.4160+4A>G (NM_001042723.2).
Identifiers: ClinVar variation 3069517 (VCV003069517.1), dbSNP rs2514151231, ClinGen allele CA2584896693.

ClinVar aggregate classification (germline): Uncertain significance (1 of 4 stars; one submission).

Conditions:
Malignant hyperthermia, susceptibility to, 1 (MHS1). Also called: RYR1-Related Malignant Hyperthermia Susceptibility; Anesthesia related hyperthermia; Malignant hyperpyrexia; Fulminating hyperpyrexia; Pharmacogenic myopathy; Malignant hyperthermia suceptibility 1. Identifiers: Orphanet 423, MedGen C2930980, MONDO:0007783, OMIM 145600.

Submission:

All of Us Research Program, National Institutes of Health
Classification: Uncertain significance for Malignant hyperthermia, susceptibility to, 1. Last evaluated: 2023-02-24. Review status: criteria provided, single submitter. Criteria: ACMG Guidelines, 2015. Collection method: clinical testing. Allele origin: germline. Inheritance: Autosomal dominant inheritance. Observed: 1 variant allele, 1 heterozygote.
Comment: This variant causes an A to G nucleotide substitution at the +4 position of intron 28 of the RYR1 gene. To our knowledge, functional studies have not been reported for this variant. This variant has not been reported in individuals affected with RYR1-related disorders in the literature. This variant has not been identified in the general population by the Genome Aggregation Database (gnomAD). The available evidence is insufficient to determine the role of this variant in disease conclusively. Therefore, this variant is classified as a Variant of Uncertain Significance.

This study involves interpretation of variants in research participants for the purpose of population health screening. Participant phenotype was not available at the time of variant classification. Additional details can be found in publication PMID: 35346344, PMCID: PMC8962531